The following is an entry in ClinVar:

NM_015627.3(LDLRAP1):c.761G>A (p.Gly254Asp)

Gene: LDLRAP1 (low density lipoprotein receptor adaptor protein 1; plus strand). Cytogenetic location: 1p36.11.
Variant type: single nucleotide variant.
Coding change: c.761G>A on transcript NM_015627.3 (MANE Select); coding-DNA position 761, G replaced by A.
Protein change: p.Gly254Asp; replaces glycine 254 with aspartic acid.
Molecular consequence: missense variant.
Genome position (GRCh38, 1-based): chr1:25,565,186, G>A. VCF-style: chr1-25565186-G-A. GRCh37 (hg19) VCF-style: chr1-25891677-G-A.
Other names: short protein forms G254D.
Identifiers: ClinVar variation 4614512 (VCV004614512.1).

ClinVar aggregate classification (germline): Uncertain significance (1 of 4 stars; one submission).

Conditions:
Cardiovascular phenotype. Identifiers: MedGen CN230736.

gnomAD v4.1: 2 of 1,614,168 alleles (0.00012%); highest among the groups gnomAD compares: Non-Finnish European, 0.00017%; no homozygotes.

Submission:

Ambry Genetics
Classification: Uncertain significance for Cardiovascular phenotype. Last evaluated: 2025-10-14. Review status: criteria provided, single submitter. Criteria: Ambry Variant Classification Scheme 2023. Collection method: clinical testing. Allele origin: germline.
Comment: The p.G254D variant (also known as c.761G>A), located in coding exon 8 of the LDLRAP1 gene, results from a G to A substitution at nucleotide position 761. The glycine at codon 254 is replaced by aspartic acid, an amino acid with similar properties. This amino acid position is conserved. In addition, this alteration is predicted to be tolerated by in silico analysis. Based on the available evidence, the clinical significance of this variant remains unclear.